The following is an entry in ClinVar:

ClinVar aggregate classification (germline): Uncertain significance. Review status: criteria provided, multiple submitters, no conflicts (2 of 4 stars). 2 submissions from 2 submitters: Uncertain significance (2). Last evaluated 2025-05-05.

Conditions:
Hereditary cancer-predisposing syndrome. Also called: Hereditary neoplastic syndrome; Tumor predisposition; Neoplastic Syndromes, Hereditary; Hereditary Cancer Syndrome. Identifiers: Orphanet 140162, MedGen C0027672, MeSH D009386, MONDO:0015356.
Hereditary diffuse gastric adenocarcinoma (HDGC). Also called: DIFFUSE GASTRIC AND LOBULAR BREAST CANCER SYNDROME. Identifiers: Orphanet 26106, MedGen C1708349, MONDO:0007648, OMIM 137215.

Allele frequency attached by ClinVar (database versions not stated): gnomAD exomes below 0.00001; ExAC 0.00001.
gnomAD v4.1: 1 of 1,614,156 alleles (0.000062%); highest among the groups gnomAD compares: Non-Finnish European, 0.000085%; no homozygotes.

Submissions (2):

Labcorp Genetics (formerly Invitae), Labcorp
Classification: Uncertain significance for Hereditary diffuse gastric adenocarcinoma. Last evaluated: 2025-05-05. Review status: criteria provided, single submitter. Criteria: Invitae Variant Classification Sherloc (09022015). Collection method: clinical testing. Allele origin: germline.
Comment: This sequence change replaces leucine, which is neutral and non-polar, with phenylalanine, which is neutral and non-polar, at codon 140 of the CDH1 protein (p.Leu140Phe). This variant is present in population databases (rs758277885, gnomAD 0.0009%). This variant has not been reported in the literature in individuals affected with CDH1-related conditions. ClinVar contains an entry for this variant (Variation ID: 958843). An algorithm developed to predict the effect of missense changes on protein structure and function (PolyPhen-2) suggests that this variant is likely to be disruptive. In summary, the available evidence is currently insufficient to determine the role of this variant in disease. Therefore, it has been classified as a Variant of Uncertain Significance.

Ambry Genetics
Classification: Uncertain significance for Hereditary cancer-predisposing syndrome. Last evaluated: 2024-12-03. Review status: criteria provided, single submitter. Criteria: Ambry Variant Classification Scheme 2023. Collection method: clinical testing. Allele origin: germline.
Comment: The p.L140F variant (also known as c.418C>T), located in coding exon 4 of the CDH1 gene, results from a C to T substitution at nucleotide position 418. The leucine at codon 140 is replaced by phenylalanine, an amino acid with highly similar properties. This amino acid position is well conserved in available vertebrate species. In addition, this alteration is predicted to be tolerated by in silico analysis. Since supporting evidence is limited at this time, the clinical significance of this alteration remains unclear.

NM_004360.5(CDH1):c.418C>T (p.Leu140Phe)

Gene: CDH1 (cadherin 1; plus strand). Cytogenetic location: 16q22.1.
Variant type: single nucleotide variant.
Coding change: c.418C>T on transcript NM_004360.5 (MANE Select); coding-DNA position 418, C replaced by T.
Protein change: p.Leu140Phe; replaces leucine 140 with phenylalanine.
Molecular consequence: missense variant. On other transcripts: 5 prime UTR variant (2).
Genome position (GRCh38, 1-based): chr16:68,808,454, C>T. VCF-style: chr16-68808454-C-T. GRCh37 (hg19) VCF-style: chr16-68842357-C-T.
Other names: c.418C>T, p.Leu140Phe (NM_001317184.2); c.-1198C>T (NM_001317185.2); c.-1402C>T (NM_001317186.2); short protein forms L140F.
Identifiers: ClinVar variation 958843 (VCV000958843.13), dbSNP rs758277885, ClinGen allele CA8129864.
Genomic context (GRCh38, chr16:68,808,454, plus strand): 5'-TATCTTGTTCCTCATCTTCTTTCCTTTTAGGCCTCCGTTTCTGGAATCCAAGCAGAATTG[C>T]TCACATTTCCCAACTCCTCTCCTGGCCTCAGAAGACAGAAGAGAGACTGGGTTATTCCTC-3'
Protein context (NP_004351.1, residues 130-150): ASVSGIQAEL[Leu140Phe]TFPNSSPGLR